The following is an entry in ClinVar:

ClinVar aggregate classification (germline): Conflicting classifications of pathogenicity. Review status: criteria provided, conflicting classifications (1 of 4 stars). 7 submissions from 7 submitters: Likely pathogenic (5); Uncertain significance (1). 1 of the submissions does not count toward it. Last evaluated 2026-02-27.

Conditions:
Xeroderma pigmentosum (XP). Identifiers: Orphanet 910, MedGen C0043346, MONDO:0019600.
Xeroderma pigmentosum group A (XPA). Also called: Xeroderma pigmentosum, complementation group A; XP, group A; XPA-Related Xeroderma Pigmentosum. Identifiers: Orphanet 910, MedGen C0268135, MONDO:0010210, OMIM 278700.

Allele frequency attached by ClinVar (database versions not stated): gnomAD 0.00001.
gnomAD v4.1: 3 of 1,612,820 alleles (0.00019%); highest among the groups gnomAD compares: African/African-American, 0.0027%; no homozygotes.

Submissions (7):

Myriad Genetics, Inc.
Classification: Likely pathogenic for Xeroderma pigmentosum group A. Last evaluated: 2026-02-27. Review status: criteria provided, single submitter. Criteria: Myriad Autosomal Dominant, Autosomal Recessive and X-Linked Classification Criteria (2023). Collection method: clinical testing. Allele origin: unknown.
Comment: NM_000380.3(XPA):c.323G>A(C108Y) is a missense variant classified as likely pathogenic in the context of xeroderma pigmentosum group A. C108Y has been observed in a case with relevant disease (PMID: 34374989). Relevant functional assessments of this variant are not available in the literature. Internal structural analysis of the variant is supportive of pathogenicity. C108Y has not been observed in referenced population frequency databases. In summary, NM_000380.3(XPA):c.323G>A(C108Y) is a missense variant that has internal structural support for pathogenicity and has been observed more frequently in cases with the relevant disease than in healthy populations. Please note: this variant was assessed in the context of healthy population screening.

Dubai Health Genomic Medicine Center, Dubai Health
Classification: Likely pathogenic for Xeroderma pigmentosum. Last evaluated: 2024-10-04. Review status: criteria provided, single submitter. Criteria: ACMG Guidelines, 2015. Collection method: research. Allele origin: germline. Affected: yes.
Comment: PM2,PP3,PP1,PM5

Fulgent Genetics
Classification: Likely pathogenic for Xeroderma pigmentosum group A. Last evaluated: 2024-04-26. Review status: criteria provided, single submitter. Criteria: ACMG Guidelines, 2015. Collection method: clinical testing. Allele origin: germline.

Women's Health and Genetics/Laboratory Corporation of America, LabCorp
Classification: Likely pathogenic for Xeroderma pigmentosum. Last evaluated: 2024-04-22. Review status: criteria provided, single submitter. Criteria: LabCorp Variant Classification Summary - May 2015. Collection method: clinical testing. Allele origin: germline.
Comment: Variant summary: XPA c.323G>A (p.Cys108Tyr) results in a non-conservative amino acid change in the encoded protein sequence. Five of five in-silico tools predict a damaging effect of the variant on protein function. The variant was absent in 250364 control chromosomes. c.323G>A has been reported in the literature in an individual affected with Xeroderma Pigmentosum and in an affected sibling in the homozygous state (Saleh_2021). These data indicate that the variant is likely to be associated with disease. To our knowledge, no experimental evidence demonstrating an impact on protein function has been reported. The following publication have been ascertained in the context of this evaluation (PMID: 34374989). ClinVar contains an entry for this variant (Variation ID: 430367). Based on the evidence outlined above, the variant was classified as likely pathogenic.

Baylor Genetics
Classification: Uncertain significance for Xeroderma pigmentosum group A. Last evaluated: 2017-09-01. Review status: criteria provided, single submitter. Criteria: ACMG Guidelines, 2015. Collection method: clinical testing. Allele origin: germline. Inheritance: Autosomal recessive inheritance. Affected: yes.

GeneDx
Classification: Likely pathogenic. Last evaluated: 2015-08-18. Review status: criteria provided, single submitter. Criteria: GeneDx Variant Classification (06012015). Collection method: clinical testing. Allele origin: germline. Affected: yes.
Comment: The C108Y variant in the XPA gene has not been published as a pathogenic variant, nor has it been reported as a benign polymorphism to our knowledge. The C108Y variant was not observed in approximately 6500 individuals of European and African American ancestry in the NHLBI Exome Sequencing Project, indicating it is not a common benign variant in these populations. The C108Y variant is a non-conservative amino acid substitution, which is likely to impact secondary protein structure as these residues differ in polarity, charge, size and/or other properties. This substitution occurs at a position that is conserved across species. In silico analysis predicts this variant is probably damaging to the protein structure/function. A missense pathogenic variants in the same residue (C108F) has been reported in the Human Gene Mutation Database in association with xeroderma pigmentosum (Stenson et al., 2014), supporting the functional importance of this region of the protein. The C108Y variant is a strong candidate for a pathogenic variant, however the possibility it may be a rare benign variant cannot be excluded

Counsyl
Classification: Uncertain significance for Xeroderma pigmentosum group A. Last evaluated: 2018-02-22. Review status: no assertion criteria provided. Collection method: clinical testing. Allele origin: unknown. Not counted in ClinVar's aggregate classification.

Literature cited by the submitters: PubMed 34374989 (cited by Myriad Genetics, Inc. and Women's Health and Genetics/Laboratory Corporation of America, LabCorp); PubMed 25326635 (cited by Baylor Genetics).

NM_000380.4(XPA):c.323G>A (p.Cys108Tyr)

Gene: XPA (XPA, DNA damage recognition and repair factor; minus strand). Cytogenetic location: 9q22.33.
Variant type: single nucleotide variant.
Coding change: c.323G>A on transcript NM_000380.4 (MANE Select); coding-DNA position 323, G replaced by A.
Protein change: p.Cys108Tyr; replaces cysteine 108 with tyrosine.
Molecular consequence: missense variant. On other transcripts: non-coding transcript variant (2).
Genome position (GRCh38, 1-based): chr9:97,689,600, C>T on the plus strand (G>A on the coding strand, the complement: XPA is on the minus strand). VCF-style: chr9-97689600-C-T. GRCh37 (hg19) VCF-style: chr9-100451882-C-T.
Other names: c.197G>A, p.Cys66Tyr (NM_001354975.2); short protein forms C108Y, C66Y.
Identifiers: ClinVar variation 430367 (VCV000430367.8), dbSNP rs104894131, ClinGen allele CA374187825.
Genomic context (GRCh38, chr9:97,689,600, plus strand): 5'-TTATCACAAGTTGGCAAATCAAAGTGGTTCATAAGATAAGAATCCATAAATTCTTTCCCA[C>T]ATTCTTCGCATATTACATAATCAAATTCCATAACAGGTCCTAAGAAAAGGAAAATGAACT-3'
Protein context (NP_000371.1, residues 98-118): MEFDYVICEE[Cys108Tyr]GKEFMDSYLM